The following is an entry in ClinVar:

NM_006218.4(PIK3CA):c.724dup (p.Cys242fs)

Gene: PIK3CA (phosphatidylinositol-4,5-bisphosphate 3-kinase catalytic subunit alpha; plus strand). Cytogenetic location: 3q26.32.
Variant type: Duplication.
Coding change: c.724dup on transcript NM_006218.4 (MANE Select); coding-DNA position 724, one base duplicated (T; older notation c.724dupT).
Protein change: p.Cys242fs; shifts the reading frame from cysteine 242.
Molecular consequence: frameshift variant.
Genome position (GRCh38, 1-based): chr3:179,201,451, T duplicated. VCF-style (leftmost placement, unchanged base first): chr3-179201450-C-CT. GRCh37 (hg19) VCF-style: chr3-178919238-C-CT.
Other names: short protein forms C242fs.
Identifiers: ClinVar variation 3360990 (VCV003360990.1).
Genomic context (GRCh38, chr3:179,201,450, plus strand): 5'-TGCTGAAGCAATCAGGAAAAAAACTCGAAGTATGTTGCTATCCTCTGAACAACTAAAACT[C>CT]TGTGTTTTAGAATATCAGGGCAAGTATATTTTAAAAGTGTGTGGATGTGATGAATACTTC-3'

ClinVar aggregate classification (germline): Uncertain significance (1 of 4 stars; one submission).

Submission:

GeneDx
Classification: Uncertain significance. Last evaluated: 2023-07-25. Review status: criteria provided, single submitter. Criteria: GeneDx Variant Classification Process June 2021. Collection method: clinical testing. Allele origin: germline. Affected: yes.
Comment: Not observed at significant frequency in large population cohorts (gnomAD); Frameshift variant predicted to result in protein truncation or nonsense mediated decay in a gene or region of a gene for which loss of function is not a well-established mechanism of disease; Has not been previously published as pathogenic or benign to our knowledge.